The following is an entry in ClinVar:

ClinVar aggregate classification (germline): Likely benign. Review status: criteria provided, multiple submitters, no conflicts (2 of 4 stars). 2 submissions from 2 submitters: Likely benign (2). Last evaluated 2026-04-28.

Conditions:
Colorectal cancer, hereditary nonpolyposis, type 7. Identifiers: Orphanet 144, MedGen C1858380, MONDO:0013725, OMIM 614385.

Submissions (2):

Myriad Genetics, Inc.
Classification: Likely benign for Colorectal cancer, hereditary nonpolyposis, type 7. Last evaluated: 2026-04-28. Review status: criteria provided, single submitter. Criteria: Myriad Autosomal Dominant, Autosomal Recessive and X-Linked Classification Criteria (2023). Collection method: clinical testing. Allele origin: unknown.
Comment: This variant is considered likely benign. This variant is intronic and is not expected to impact mRNA splicing.

Labcorp Genetics (formerly Invitae), Labcorp
Classification: Likely benign for Colorectal cancer, hereditary nonpolyposis, type 7. Last evaluated: 2024-09-23. Review status: criteria provided, single submitter. Criteria: Invitae Variant Classification Sherloc (09022015). Collection method: clinical testing. Allele origin: germline.

NM_001040108.2(MLH3):c.3716-16A>C

Gene: MLH3 (mutL homolog 3; minus strand). Cytogenetic location: 14q24.3.
Variant type: single nucleotide variant.
Coding change: c.3716-16A>C on transcript NM_001040108.2 (MANE Select); 16 bases into the intron before coding-DNA position 3716, A replaced by C.
Molecular consequence: intron variant.
Genome position (GRCh38, 1-based): chr14:75,032,195, T>G on the plus strand (A>C on the coding strand, the complement: MLH3 is on the minus strand). VCF-style: chr14-75032195-T-G. GRCh37 (hg19) VCF-style: chr14-75498898-T-G.
Other names: c.3644-16A>C (NM_014381.3).
Identifiers: ClinVar variation 3668345 (VCV003668345.3).